The following is an entry in ClinVar:

ClinVar aggregate classification (germline): Uncertain significance (1 of 4 stars; one submission).

Conditions:
Autosomal dominant hypocalcemia 1 (HYPOC1). Also called: HYPOCALCEMIA, FAMILIAL. Identifiers: MedGen C3715128, MONDO:0011013, OMIM 601198.
Familial hypocalciuric hypercalcemia (FHH). Also called: Familial benign hypercalcemia. Identifiers: Orphanet 405, MedGen C1809471, MONDO:0018458.

Submission:

Labcorp Genetics (formerly Invitae), Labcorp
Classification: Uncertain significance for Familial hypocalciuric hypercalcemia; Autosomal dominant hypocalcemia 1. Last evaluated: 2022-07-12. Review status: criteria provided, single submitter. Criteria: Invitae Variant Classification Sherloc (09022015). Collection method: clinical testing. Allele origin: germline.
Comment: ClinVar contains an entry for this variant (Variation ID: 1010304). This sequence change replaces aspartic acid, which is acidic and polar, with valine, which is neutral and non-polar, at codon 480 of the CASR protein (p.Asp480Val). This variant is not present in population databases (gnomAD no frequency). This variant has not been reported in the literature in individuals affected with CASR-related conditions. Algorithms developed to predict the effect of missense changes on protein structure and function are either unavailable or do not agree on the potential impact of this missense change (SIFT: "Deleterious"; PolyPhen-2: "Probably Damaging"; Align-GVGD: "Class C15"). In summary, the available evidence is currently insufficient to determine the role of this variant in disease. Therefore, it has been classified as a Variant of Uncertain Significance.

NM_000388.4(CASR):c.1439A>T (p.Asp480Val)

Gene: CASR (calcium sensing receptor; plus strand). Cytogenetic location: 3q21.1.
Variant type: single nucleotide variant.
Coding change: c.1439A>T on transcript NM_000388.4 (MANE Select); coding-DNA position 1439, A replaced by T.
Protein change: p.Asp480Val; replaces aspartic acid 480 with valine.
Molecular consequence: missense variant.
Genome position (GRCh38, 1-based): chr3:122,275,873, A>T. VCF-style: chr3-122275873-A-T. GRCh37 (hg19) VCF-style: chr3-121994720-A-T.
Other names: c.1439A>T, p.Asp480Val (NM_001178065.2); short protein forms D480V.
Identifiers: ClinVar variation 1010304 (VCV001010304.9), dbSNP rs2074811961, ClinGen allele CA354155026.
Genomic context (GRCh38, chr3:122,275,873, plus strand): 5'-TCCTGAAGCACCTACGGCATCTAAACTTTACAAACAATATGGGGGAGCAGGTGACCTTTG[A>T]TGAGTGTGGTGACCTGGTGGGGAACTATTCCATCATCAACTGGCACCTCTCCCCAGAGGA-3'
Protein context (NP_000379.3, residues 470-490): TNNMGEQVTF[Asp480Val]ECGDLVGNYS